The following is an entry in ClinVar:

ClinVar aggregate classification (germline): Pathogenic. Review status: reviewed by expert panel (3 of 4 stars). 14 submissions from 14 submitters: Pathogenic (1). 13 of the submissions do not count toward it. Last evaluated 2016-09-08.

Conditions:
Hereditary cancer-predisposing syndrome. Also called: Hereditary Cancer Syndrome; Hereditary neoplastic syndrome; Neoplastic Syndromes, Hereditary; Tumor predisposition. Identifiers: Orphanet 140162, MedGen C0027672, MeSH D009386, MONDO:0015356.
Breast-ovarian cancer, familial, susceptibility to, 1 (BROVCA1). Also called: BRCA1 Hereditary Breast and Ovarian Cancer; OVARIAN CANCER, SUSCEPTIBILITY TO. Identifiers: Orphanet 145, MedGen C2676676, MONDO:0011450, OMIM 604370. Disease mechanism: loss of function.
Familial cancer of breast. Also called: hereditary breast carcinoma; BREAST CANCER, FAMILIAL; Hereditary breast cancer. Identifiers: Orphanet 227535, MedGen C0346153, MONDO:0016419, OMIM 114480. Disease mechanism: loss of function.
Fanconi anemia, complementation group S (FANCS). Identifiers: MedGen C4554406, MONDO:0054748, OMIM 617883.
Hereditary breast ovarian cancer syndrome. Also called: BRCA1- and BRCA2-Associated Hereditary Breast and Ovarian Cancer; Hereditary breast and ovarian cancer syndrome; Hereditary breast and ovarian cancer syndrome (HBOC); Breast and ovarian cancer; Hereditary breast and/or ovarian cancer syndrome; Hereditary breast and ovarian cancer. Identifiers: Orphanet 145, MedGen C0677776, MeSH D061325, MONDO:0003582. Disease mechanism: loss of function.

Submissions (14):

Evidence-based Network for the Interpretation of Germline Mutant Alleles (ENIGMA)
Classification: Pathogenic for Breast-ovarian cancer, familial, susceptibility to, 1. Last evaluated: 2016-09-08. Review status: reviewed by expert panel. Criteria: ENIGMA BRCA1/2 Classification Criteria (2015). Collection method: curation. Allele origin: germline.
Comment: Variant allele predicted to encode a truncated non-functional protein.

Ambry Genetics
Classification: Pathogenic for Hereditary cancer-predisposing syndrome. Last evaluated: 2025-06-13. Review status: criteria provided, single submitter. Criteria: Ambry Variant Classification Scheme 2023. Collection method: clinical testing. Allele origin: germline. Not counted in ClinVar's aggregate classification.
Comment: The c.2199delG pathogenic mutation, located in coding exon 9 of the BRCA1 gene, results from a deletion of one nucleotide at nucleotide position 2199, causing a translational frameshift with a predicted alternate stop codon (p.K734Nfs*2). This variant, designated as 2318delG, has been identified in breast and pancreatic cancer patients (Al-Sukhni W et al. Hum Genet. 2008 Oct;124:271-8; Eccles DM et al. Ann Oncol. 2016 Mar;27:467-73). This variant has also identified in a large, worldwide study of BRCA1/2 mutation-positive families (Rebbeck TR et al. Hum Mutat. 2018 05;39:593-620). This variant is considered to be rare based on population cohorts in the Genome Aggregation Database (gnomAD). In addition to the clinical data presented in the literature, this alteration is expected to result in loss of function by premature protein truncation or nonsense-mediated mRNA decay. As such, this alteration is interpreted as a disease-causing mutation.

Helix
Classification: Pathogenic for Breast-ovarian cancer, familial, susceptibility to, 1. Last evaluated: 2025-05-01. Review status: criteria provided, single submitter. Criteria: ACMG Guidelines, 2015. Collection method: clinical testing. Allele origin: germline. Inheritance: Autosomal dominant inheritance. Not counted in ClinVar's aggregate classification.
Comment: This variant (NM_007294.4:c.2199del p.Lys734AsnfsTer2) results in a frameshift, which creates a premature stop codon in the BRCA1 gene. This variant is also known as 2199delG, 2318delG, 2318del. It is predicted to result in nonsense-mediated mRNA decay or in the production of a truncated protein, leading to loss-of-function (LOF). LOF variants in this gene are known to be deleterious (PMID: 20104584, 20301575). It is a rare variant that is absent from the large gnomAD population database (v4.1). This variant has been observed in individual(s) with a personal and/or family history of BRCA1-related cancers (PMID: 18762988, 25072261, 26681682). This variant is present in ClinVar (Accession: VCV000091578.28). In conclusion, this variant has been classified as Pathogenic.

Labcorp Genetics (formerly Invitae), Labcorp
Classification: Pathogenic for Hereditary breast ovarian cancer syndrome. Last evaluated: 2024-12-26. Review status: criteria provided, single submitter. Criteria: Invitae Variant Classification Sherloc (09022015). Collection method: clinical testing. Allele origin: germline. Not counted in ClinVar's aggregate classification.
Comment: This sequence change creates a premature translational stop signal (p.Lys734Asnfs*2) in the BRCA1 gene. It is expected to result in an absent or disrupted protein product. Loss-of-function variants in BRCA1 are known to be pathogenic (PMID: 20104584). This variant is not present in population databases (gnomAD no frequency). This premature translational stop signal has been observed in individual(s) with pancreatic cancer and breast cancer (PMID: 18762988, 26681682, 29446198). ClinVar contains an entry for this variant (Variation ID: 91578). For these reasons, this variant has been classified as Pathogenic.

GeneDx
Classification: Pathogenic. Last evaluated: 2023-11-15. Review status: criteria provided, single submitter. Criteria: GeneDx Variant Classification Process June 2021. Collection method: clinical testing. Allele origin: germline. Affected: yes. Not counted in ClinVar's aggregate classification.
Comment: Frameshift variant predicted to result in protein truncation or nonsense mediated decay in a gene for which loss of function is a known mechanism of disease; Not observed at significant frequency in large population cohorts (gnomAD); Truncating variants in this gene are considered pathogenic by a well-established clinical consortium and/or database; Also known as 2318del; This variant is associated with the following publications: (PMID: 16267036, 25072261, 18762988, 26681682, 29446198)

Quest Diagnostics Nichols Institute San Juan Capistrano
Classification: Pathogenic. Last evaluated: 2023-10-19. Review status: criteria provided, single submitter. Criteria: Quest Diagnostics criteria. Collection method: clinical testing. Allele origin: unknown. Not counted in ClinVar's aggregate classification.
Comment: The BRCA1 c.2199del (p.Lys734Asnfs*2) variant alters the translational reading frame of the BRCA1 mRNA and causes the premature termination of BRCA1 protein synthesis. This variant has been reported in the published literature in individuals with breast cancer (PMID: 26681682 (2016)), and pancreatic cancer (PMID: 18762988 (2008), 25072261 (2014)). This variant has also been reported in a large, worldwide study of families with BRCA1/2 mutations (PMID: 29446198 (2018)). This variant has not been reported in large, multi-ethnic general populations (Genome Aggregation Database). Based on the available information, this variant is classified as pathogenic.

Color Diagnostics, LLC DBA Color Health
Classification: Pathogenic for Hereditary cancer-predisposing syndrome. Last evaluated: 2023-09-05. Review status: criteria provided, single submitter. Criteria: ACMG Guidelines, 2015. Collection method: clinical testing. Allele origin: germline. Not counted in ClinVar's aggregate classification.
Comment: This variant deletes 1 nucleotide in exon 10 of the BRCA1 gene, creating a frameshift and premature translation stop signal. This variant is expected to result in an absent or non-functional protein product. To our knowledge, functional studies have not been reported for this variant. This variant has been reported in one individual each affected with breast cancer and pancreatic cancer (PMID: 18762988, 26681682) and in 4 families among the CIMBA participants (PMID: 29446198). This variant has not been identified in the general population by the Genome Aggregation Database (gnomAD). Loss of BRCA1 function is a known mechanism of disease. Based on the available evidence, this variant is classified as Pathogenic.

Revvity Omics, Revvity
Classification: Likely pathogenic. Last evaluated: 2023-05-30. Review status: criteria provided, single submitter. Criteria: ACMG Guidelines, 2015. Collection method: clinical testing. Allele origin: germline. Not counted in ClinVar's aggregate classification.

Department of Pathology and Laboratory Medicine, Sinai Health System
Classification: Pathogenic for Familial cancer of breast; Breast-ovarian cancer, familial, susceptibility to, 1; Fanconi anemia, complementation group S. Last evaluated: 2020-08-21. Review status: criteria provided, single submitter. Criteria: ACMG Guidelines, 2015. Collection method: clinical testing. Allele origin: germline. Affected: no. Not counted in ClinVar's aggregate classification.

Consortium of Investigators of Modifiers of BRCA1/2 (CIMBA), c/o University of Cambridge
Classification: Pathogenic for Breast-ovarian cancer, familial, susceptibility to, 1. Last evaluated: 2015-10-02. Review status: criteria provided, single submitter. Criteria: CIMBA Mutation Classification guidelines May 2016. Collection method: clinical testing. Allele origin: germline. Not counted in ClinVar's aggregate classification.

Counsyl
Classification: Pathogenic for Breast-ovarian cancer, familial, susceptibility to, 1. Last evaluated: 2018-02-28. Review status: no assertion criteria provided. Collection method: clinical testing. Allele origin: unknown. Not counted in ClinVar's aggregate classification.

Research Molecular Genetics Laboratory, Women's College Hospital, University of Toronto
Classification: Pathogenic for Hereditary breast ovarian cancer syndrome. Last evaluated: 2014-01-31. Review status: no assertion criteria provided. Collection method: research. Allele origin: germline. Affected: yes. Study: The Canadian Open Genetics Repository (COGR). Not counted in ClinVar's aggregate classification.

Sharing Clinical Reports Project (SCRP)
Classification: Pathogenic for Breast-ovarian cancer, familial 1. Last evaluated: 2012-05-01. Review status: no assertion criteria provided. Collection method: clinical testing. Allele origin: germline. Not counted in ClinVar's aggregate classification.

Breast Cancer Information Core (BIC) (BRCA1)
Classification: Pathogenic for Breast-ovarian cancer, familial 1. Last evaluated: 2002-05-29. Review status: no assertion criteria provided. Collection method: clinical testing. Allele origin: germline. Affected: yes. Observed: 3 variant alleles. Not counted in ClinVar's aggregate classification.

Literature cited by the submitters: PubMed 18762988 (cited by 5 submitters); PubMed 26681682 (cited by 6 submitters); PubMed 29446198 (cited by 4 submitters); PubMed 20104584 (cited by Labcorp Genetics (formerly Invitae), Labcorp); PubMed 25072261 (cited by Quest Diagnostics Nichols Institute San Juan Capistrano); PubMed 28726806 (cited by Quest Diagnostics Nichols Institute San Juan Capistrano); PubMed 29337092 (cited by Quest Diagnostics Nichols Institute San Juan Capistrano); PubMed 16267036 (cited by Counsyl).

NM_007294.4(BRCA1):c.2199del (p.Lys734fs)

Gene: BRCA1 (BRCA1 DNA repair associated; minus strand). Cytogenetic location: 17q21.31.
Variant type: Deletion.
Coding change: c.2199del on transcript NM_007294.4 (MANE Select); coding-DNA position 2199, one base deleted (G; older notation c.2199delG).
Protein change: p.Lys734fs; shifts the reading frame from lysine 734.
Molecular consequence: frameshift variant. On other transcripts: intron variant (137).
Genome position (GRCh38, 1-based): chr17:43,093,332, C deleted on the plus strand (G on the coding strand, the reverse complement: BRCA1 is on the minus strand). VCF-style (leftmost placement, unchanged base first): chr17-43093331-TC-T. GRCh37 (hg19) VCF-style: chr17-41245348-TC-T.
Other names: 2318delG; c.2121del, p.Lys708fs (NM_001407654.1, NM_001407655.1, NM_001407656.1 and 4 more transcripts); c.2118del, p.Lys707fs (NM_001407659.1, NM_001407660.1, NM_001407661.1 and 1 more transcripts); c.2076del, p.Lys693fs (NM_001407664.1, NM_001407665.1, NM_001407666.1 and 19 more transcripts); c.2073del, p.Lys692fs (NM_001407670.1, NM_001407671.1, NM_001407672.1 and 11 more transcripts); c.2199del, p.Lys734fs (NM_001407684.1, NM_001407854.1, NM_001407858.1 and 30 more transcripts); c.2058del, p.Lys687fs (NM_001407692.1, NM_001407694.1, NM_001407695.1 and 29 more transcripts); c.2055del, p.Lys686fs (NM_001407740.1, NM_001407741.1, NM_001407742.1 and 20 more transcripts); and 42 more; short protein forms K687fs, K734fs, K438fs, K622fs, K645fs, K663fs, K667fs, K731fs.
Identifiers: ClinVar variation 91578 (VCV000091578.34), dbSNP rs80357944, ClinGen allele CA001469.